The following is an entry in ClinVar:

ClinVar aggregate classification (germline): Uncertain significance (1 of 4 stars; one submission).

Conditions:
Charcot-Marie-Tooth disease dominant intermediate E. Also called: CHARCOT-MARIE-TOOTH NEUROPATHY WITH FOCAL SEGMENTAL GLOMERULONEPHRITIS. Identifiers: Orphanet 93114, MedGen C4302667, MONDO:0013758, OMIM 614455.
Focal segmental glomerulosclerosis 5 (FSGS5). Identifiers: Orphanet 656, MedGen C2750475, MONDO:0013191, OMIM 613237.

Submission:

Labcorp Genetics (formerly Invitae), Labcorp
Classification: Uncertain significance for Charcot-Marie-Tooth disease dominant intermediate E; Focal segmental glomerulosclerosis 5. Last evaluated: 2022-03-18. Review status: criteria provided, single submitter. Criteria: Invitae Variant Classification Sherloc (09022015). Collection method: clinical testing. Allele origin: germline.
Comment: In summary, the available evidence is currently insufficient to determine the role of this variant in disease. Therefore, it has been classified as a Variant of Uncertain Significance. Algorithms developed to predict the effect of sequence changes on RNA splicing suggest that this variant may disrupt the consensus splice site. ClinVar contains an entry for this variant (Variation ID: 936813). This variant has not been reported in the literature in individuals affected with INF2-related conditions. This variant is not present in population databases (gnomAD no frequency). This variant results in the deletion of part of exon 18 (c.2611-3_2766delinsA) of the INF2 gene. It is expected to disrupt RNA splicing. Variants that disrupt the donor or acceptor splice site typically lead to a loss of protein function (PMID: 16199547), however the current clinical and genetic evidence is not sufficient to establish whether loss-of-function variants in INF2 cause disease.

Literature cited by the submitters: PubMed 16199547.

NM_022489.4(INF2):c.2611-3_2766delinsA

Gene: INF2 (inverted formin 2; plus strand). Cytogenetic location: 14q32.33.
Variant type: Indel.
Coding change: c.2611-3_2766delinsA on transcript NM_022489.4 (MANE Select); 3 bases into the intron before coding-DNA position 2611 through coding-DNA position 2766, the reference bases replaced by A.
Molecular consequence: splice acceptor variant.
Genome position (GRCh38, 1-based): chr14:104,712,825-104,712,983, 159 bases replaced. GRCh37 (hg19): chr14:105,179,162-105,179,320.
Other names: c.2611-3_2766delinsA (NM_001031714.4).
Identifiers: ClinVar variation 936813 (VCV000936813.7), dbSNP rs1890116449, ClinGen allele CA1139663765.